The following is an entry in ClinVar:

ClinVar aggregate classification (germline): Uncertain significance. Review status: criteria provided, single submitter (1 of 4 stars). 2 submissions from 2 submitters: Uncertain significance (1). 1 of the submissions does not count toward it. Last evaluated 2025-12-19.

Conditions:
TRAP1-related disorder. Also called: TRAP1-related condition.

gnomAD v4.1: 37 of 1,612,878 alleles (0.0023%); highest among the groups gnomAD compares: Admixed American, 0.005%; no homozygotes.

Submissions (2):

Labcorp Genetics (formerly Invitae), Labcorp
Classification: Uncertain significance. Last evaluated: 2025-12-19. Review status: criteria provided, single submitter. Criteria: Invitae Variant Classification Sherloc (09022015). Collection method: clinical testing. Allele origin: germline.
Comment: This sequence change replaces arginine, which is basic and polar, with cysteine, which is neutral and slightly polar, at codon 495 of the TRAP1 protein (p.Arg495Cys). This variant is present in population databases (rs113510154, gnomAD 0.005%). This variant has not been reported in the literature in individuals affected with TRAP1-related conditions. ClinVar contains an entry for this variant (Variation ID: 3348712). Invitae Evidence Modeling of protein sequence and biophysical properties (such as structural, functional, and spatial information, amino acid conservation, physicochemical variation, residue mobility, and thermodynamic stability) indicates that this missense variant is expected to disrupt TRAP1 protein function with a positive predictive value of 80%. In summary, the available evidence is currently insufficient to determine the role of this variant in disease. Therefore, it has been classified as a Variant of Uncertain Significance.

PreventionGenetics, part of Exact Sciences
Classification: Uncertain significance for TRAP1-related condition. Last evaluated: 2024-07-15. Review status: no assertion criteria provided. Collection method: clinical testing. Allele origin: germline. Not counted in ClinVar's aggregate classification.
Comment: The TRAP1 c.1483C>T variant is predicted to result in the amino acid substitution p.Arg495Cys. To our knowledge, this variant has not been reported in the literature. This variant is reported in 0.0047% of alleles in individuals of European (non-Finnish) descent in gnomAD. At this time, the clinical significance of this variant is uncertain due to the absence of conclusive functional and genetic evidence.

NM_016292.3(TRAP1):c.1483C>T (p.Arg495Cys)

Genes: DNASE1 (deoxyribonuclease 1; plus strand), TRAP1 (TNF receptor associated protein 1; minus strand). Cytogenetic location: 16p13.3.
Variant type: single nucleotide variant.
Coding change: c.1483C>T on transcript NM_016292.3 (MANE Select); coding-DNA position 1483, C replaced by T.
Protein change: p.Arg495Cys; replaces arginine 495 with cysteine.
Molecular consequence: missense variant. On other transcripts: 3 prime UTR variant (1).
Genome position (GRCh38, 1-based): chr16:3,664,360, G>A on the plus strand (C>T on the coding strand, the complement: TRAP1 is on the minus strand). VCF-style: chr16-3664360-G-A. GRCh37 (hg19) VCF-style: chr16-3714361-G-A.
Other names: c.1324C>T, p.Arg442Cys (NM_001272049.2); c.*1736G>A (NM_001387140.1); short protein forms R442C, R495C.
Identifiers: ClinVar variation 3348712 (VCV003348712.1).
Genomic context (GRCh38, chr16:3,664,360, plus strand): 5'-CATAGTAGGGTGAGTGCTCTGCCAGGTGACGGTTGGGGGCGCACAGGTAGTAGATGTTGC[G>A]GGTGCCGGCCCGCATGCGGCTGGCGTATTCTGAGAGGCTGGTTAGCTGCCCGGAGGGCAG-3'
Protein context (NP_057376.2, residues 485-505): EYASRMRAGT[Arg495Cys]NIYYLCAPNR